The following is an entry in ClinVar:

NM_001042492.3(NF1):c.5609+3del

Gene: NF1 (neurofibromin 1; plus strand). Cytogenetic location: 17q11.2.
Variant type: Deletion.
Coding change: c.5609+3del on transcript NM_001042492.3 (MANE Select); 3 bases into the intron after coding-DNA position 5609, one base deleted (A; older notation c.5609+3delA).
Molecular consequence: intron variant.
Genome position (GRCh38, 1-based): chr17:31,327,842, A deleted. VCF-style (leftmost placement, unchanged base first): chr17-31327841-TA-T. GRCh37 (hg19) VCF-style: chr17-29654859-TA-T.
Other names: c.5546+3del (NM_000267.4).
Identifiers: ClinVar variation 4860865 (VCV004860865.1).

ClinVar aggregate classification (germline): Likely pathogenic (1 of 4 stars; one submission).

Conditions:
Cardiovascular phenotype. Identifiers: MedGen CN230736.
Hereditary cancer-predisposing syndrome. Also called: Neoplastic Syndromes, Hereditary; Tumor predisposition; Hereditary Cancer Syndrome; Hereditary neoplastic syndrome. Identifiers: Orphanet 140162, MedGen C0027672, MeSH D009386, MONDO:0015356.

Submission:

Ambry Genetics
Classification: Likely pathogenic for Cardiovascular phenotype; Hereditary cancer-predisposing syndrome. Last evaluated: 2026-03-31. Review status: criteria provided, single submitter. Criteria: Ambry Variant Classification Scheme 2023. Collection method: clinical testing. Allele origin: germline.
Comment: The c.5546+3delA intronic variant, located in intron 37 of the NF1 gene, results from a deletion of one nucleotide within intron 37 of the NF1 gene. In silico splice site analysis predicts that this alteration will weaken the native splice donor site. RNA studies have demonstrated that this variant results in abnormal splicing in the set of samples tested (Ambry internal data). This nucleotide position is well conserved in available vertebrate species. This variant is considered to be rare based on population cohorts in the Genome Aggregation Database (gnomAD). Based on the majority of available evidence to date, this variant is likely to be pathogenic.